The following is an entry in ClinVar:

ClinVar aggregate classification (germline): Likely benign. Review status: criteria provided, single submitter (1 of 4 stars). 2 submissions from 2 submitters: Likely benign (1). 1 of the submissions does not count toward it. Last evaluated 2019-04-29.

Allele frequency attached by ClinVar (database versions not stated): 1000 Genomes Project 30x 0.00016; TOPMed 0.00157; gnomAD 0.00261.
gnomAD v4.1: 3,115 of 1,363,242 alleles (0.23%); highest among the groups gnomAD compares: Non-Finnish European, 0.23%; 14 homozygotes.

Submissions (2):

GeneDx
Classification: Likely benign. Last evaluated: 2019-04-29. Review status: criteria provided, single submitter. Criteria: GeneDx Variant Classification Process June 2021. Collection method: clinical testing. Allele origin: germline. Affected: yes.

Leiden Open Variation Database
Classification: Likely benign. Last evaluated: 2012-08-31. Review status: no assertion criteria provided. Collection method: curation. Allele origin: germline. Affected: yes. Not counted in ClinVar's aggregate classification.
Comment: Curator: Arleen D. Auerbach. Submitter to LOVD: Janine Bakker.

Literature cited by the submitters: PubMed 22911665 (cited by Leiden Open Variation Database).

NM_032444.4(SLX4):c.1924+127G>A

Gene: SLX4 (SLX4 structure-specific endonuclease subunit; minus strand). Cytogenetic location: 16p13.3.
Variant type: single nucleotide variant.
Coding change: c.1924+127G>A on transcript NM_032444.4 (MANE Select); 127 bases into the intron after coding-DNA position 1924, G replaced by A.
Molecular consequence: intron variant.
Genome position (GRCh38, 1-based): chr16:3,596,026, C>T on the plus strand (G>A on the coding strand, the complement: SLX4 is on the minus strand). VCF-style: chr16-3596026-C-T. GRCh37 (hg19) VCF-style: chr16-3646027-C-T.
Identifiers: ClinVar variation 929624 (VCV000929624.3), dbSNP rs563725168, ClinGen allele CA276962187.